The following is an entry in ClinVar:

NM_000514.4(GDNF):c.*529G>A

Gene: GDNF (glial cell derived neurotrophic factor; minus strand). Cytogenetic location: 5p13.2.
Variant type: single nucleotide variant.
Coding change: c.*529G>A on transcript NM_000514.4 (MANE Select); 529 bases downstream of the stop codon, G replaced by A.
Molecular consequence: 3 prime UTR variant.
Genome position (GRCh38, 1-based): chr5:37,815,122, C>T on the plus strand (G>A on the coding strand, the complement: GDNF is on the minus strand). VCF-style: chr5-37815122-C-T. GRCh37 (hg19) VCF-style: chr5-37815224-C-T.
Other names: c.*529G>A (NM_001190468.1, NM_001190469.1, NM_001278098.1 and 1 more transcripts).
Identifiers: ClinVar variation 353514 (VCV000353514.6), dbSNP rs58787312, ClinGen allele CA10621790.

ClinVar aggregate classification (germline): Benign. Review status: criteria provided, multiple submitters, no conflicts (2 of 4 stars). 2 submissions from 2 submitters: Benign (2). Last evaluated 2018-01-12.

Conditions:
Hirschsprung disease, susceptibility to, 3. Identifiers: Orphanet 388, MedGen C3150974, MONDO:0013383, OMIM 613711.

Allele frequency attached by ClinVar (database versions not stated): gnomAD exomes 0.01139; gnomAD 0.04463 and 0.04641; 1000 Genomes Project 0.04493; 1000 Genomes Project 30x 0.04841; TOPMed 0.04905.

Submissions (2):

Illumina Laboratory Services, Illumina
Classification: Benign for Hirschsprung disease, susceptibility to, 3. Last evaluated: 2018-01-12. Review status: criteria provided, single submitter. Criteria: ICSL Variant Classification Criteria 13 December 2019. Collection method: clinical testing. Allele origin: germline.
Comment: This variant was observed in the ICSL laboratory as part of a predisposition screen in an ostensibly healthy population. It had not been previously curated by ICSL or reported in the Human Gene Mutation Database (HGMD: prior to June 1st, 2018), and was therefore a candidate for classification through an automated scoring system. Utilizing variant allele frequency, disease prevalence and penetrance estimates, and inheritance mode, an automated score was calculated to assess if this variant is too frequent to cause the disease. Based on the score and internal cut-off values, a variant classified as benign is not then subjected to further curation. The score for this variant resulted in a classification of benign for this disease.

Breakthrough Genomics
Classification: Benign. Review status: criteria provided, single submitter. Criteria: ACMG Guidelines, 2015. Collection method: not provided. Allele origin: germline. Inheritance: Autosomal dominant inheritance. Affected: yes.